The following is an entry in ClinVar:

NM_003647.3(DGKE):c.541G>T (p.Glu181Ter)

Gene: DGKE (diacylglycerol kinase epsilon; plus strand). Cytogenetic location: 17q22.
Variant type: single nucleotide variant.
Coding change: c.541G>T on transcript NM_003647.3 (MANE Select); coding-DNA position 541, G replaced by T.
Protein change: p.Glu181Ter; replaces glutamic acid 181 with a stop codon.
Molecular consequence: nonsense.
Genome position (GRCh38, 1-based): chr17:56,844,095, G>T. VCF-style: chr17-56844095-G-T. GRCh37 (hg19) VCF-style: chr17-54921456-G-T.
Other names: short protein forms E181*.
Identifiers: ClinVar variation 3674177 (VCV003674177.2).
Genomic context (GRCh38, chr17:56,844,095, plus strand): 5'-AAAACAGTACATGATGAGTGCATGAAAAATAGTTTAAAGAATGAAAAATGTGATTTTGGA[G>T]AATTCAAAAACCTAATCATTCCACCAAGTTATTTAACATCCATTAATCAGATGCGTAAAG-3'

ClinVar aggregate classification (germline): Pathogenic (1 of 4 stars; one submission).

Submission:

Labcorp Genetics (formerly Invitae), Labcorp
Classification: Pathogenic. Last evaluated: 2024-06-23. Review status: criteria provided, single submitter. Criteria: Invitae Variant Classification Sherloc (09022015). Collection method: clinical testing. Allele origin: germline.
Comment: This sequence change creates a premature translational stop signal (p.Glu181*) in the DGKE gene. It is expected to result in an absent or disrupted protein product. Loss-of-function variants in DGKE are known to be pathogenic (PMID: 23274426, 23542698). This variant is not present in population databases (gnomAD no frequency). This variant has not been reported in the literature in individuals affected with DGKE-related conditions. Algorithms developed to predict the effect of sequence changes on RNA splicing suggest that this variant may disrupt the consensus splice site. For these reasons, this variant has been classified as Pathogenic.

Literature cited by the submitters: PubMed 23274426; PubMed 23542698.